The following is an entry in ClinVar:

NM_000069.3(CACNA1S):c.3774G>C (p.Trp1258Cys)

Gene: CACNA1S (calcium voltage-gated channel subunit alpha1 S; minus strand). Cytogenetic location: 1q32.1.
Variant type: single nucleotide variant.
Coding change: c.3774G>C on transcript NM_000069.3 (MANE Select); coding-DNA position 3774, G replaced by C.
Protein change: p.Trp1258Cys; replaces tryptophan 1258 with cysteine.
Molecular consequence: missense variant.
Genome position (GRCh38, 1-based): chr1:201,053,480, C>G on the plus strand (G>C on the coding strand, the complement: CACNA1S is on the minus strand). VCF-style: chr1-201053480-C-G. GRCh37 (hg19) VCF-style: chr1-201022608-C-G.
Other names: short protein forms W1258C.
Identifiers: ClinVar variation 861298 (VCV000861298.11), dbSNP rs1660729185, ClinGen allele CA344154298.

ClinVar aggregate classification (germline): Uncertain significance. Review status: criteria provided, multiple submitters, no conflicts (2 of 4 stars). 2 submissions from 2 submitters: Uncertain significance (2). Last evaluated 2023-06-08.

Conditions:
Malignant hyperthermia, susceptibility to, 5 (MHS5). Also called: CACNA1S-Related Malignant Hyperthermia Susceptibility. Identifiers: Orphanet 423, MedGen C1866077, MONDO:0011163, OMIM 601887.
Hypokalemic periodic paralysis, type 1. Also called: Hypokalemic Periodic Paralysis Type 1 (AD); HypoPP. Identifiers: Orphanet 681, MedGen C3714580, MONDO:0042979, OMIM 170400.

Submissions (2):

All of Us Research Program, National Institutes of Health
Classification: Uncertain significance for Malignant hyperthermia, susceptibility to, 5. Last evaluated: 2023-06-08. Review status: criteria provided, single submitter. Criteria: ACMG Guidelines, 2015. Collection method: clinical testing. Allele origin: germline. Inheritance: Autosomal dominant inheritance. Observed: 1 variant allele, 1 heterozygote.
Comment: This missense variant replaces tryptophan with cysteine at codon 1258 of the CACNA1S protein. Computational prediction suggests that this variant may have deleterious impact on protein structure and function (internally defined REVEL score threshold >= 0.7, PMID: 27666373). To our knowledge, functional studies have not been reported for this variant. This variant has not been reported in individuals affected with CACNA1S-related disorders in the literature. This variant has not been identified in the general population by the Genome Aggregation Database (gnomAD). The available evidence is insufficient to determine the role of this variant in disease conclusively. Therefore, this variant is classified as a Variant of Uncertain Significance.

This study involves interpretation of variants in research participants for the purpose of population health screening. Participant phenotype was not available at the time of variant classification. Additional details can be found in publication PMID: 35346344, PMCID: PMC8962531

Labcorp Genetics (formerly Invitae), Labcorp
Classification: Uncertain significance for Hypokalemic periodic paralysis, type 1; Malignant hyperthermia, susceptibility to, 5. Last evaluated: 2019-05-08. Review status: criteria provided, single submitter. Criteria: Invitae Variant Classification Sherloc (09022015). Collection method: clinical testing. Allele origin: germline.
Comment: This sequence change replaces tryptophan with cysteine at codon 1258 of the CACNA1S protein (p.Trp1258Cys). The tryptophan residue is highly conserved and there is a large physicochemical difference between tryptophan and cysteine. This variant is not present in population databases (ExAC no frequency). This variant has not been reported in the literature in individuals with CACNA1S-related conditions. Algorithms developed to predict the effect of missense changes on protein structure and function are either unavailable or do not agree on the potential impact of this missense change (SIFT: "Deleterious"; PolyPhen-2: "Probably Damaging"; Align-GVGD: "Class C15"). In summary, the available evidence is currently insufficient to determine the role of this variant in disease. Therefore, it has been classified as a Variant of Uncertain Significance.